The following is an entry in ClinVar:

NM_015192.4(PLCB1):c.1508G>A (p.Gly503Glu)

Gene: PLCB1 (phospholipase C beta 1; plus strand). Cytogenetic location: 20p12.3.
Variant type: single nucleotide variant.
Coding change: c.1508G>A on transcript NM_015192.4 (MANE Select); coding-DNA position 1508, G replaced by A.
Protein change: p.Gly503Glu; replaces glycine 503 with glutamic acid.
Molecular consequence: missense variant.
Genome position (GRCh38, 1-based): chr20:8,717,843, G>A. VCF-style: chr20-8717843-G-A. GRCh37 (hg19) VCF-style: chr20-8698490-G-A.
Other names: c.1508G>A, p.Gly503Glu (NM_182734.3); short protein forms G503E.
Identifiers: ClinVar variation 2009003 (VCV002009003.4), dbSNP rs757137361, ClinGen allele CA9759958.

ClinVar aggregate classification (germline): Uncertain significance (1 of 4 stars; one submission).

Conditions:
Developmental and epileptic encephalopathy, 12 (DEE12). Identifiers: MedGen C3150988, MONDO:0013389, OMIM 613722.

Allele frequency attached by ClinVar (database versions not stated): TOPMed below 0.00001; ExAC 0.00001; gnomAD 0.00001.
gnomAD v4.1: 2 of 1,605,238 alleles (0.00012%); highest among the groups gnomAD compares: South Asian, 0.0011%; no homozygotes.

Submission:

Labcorp Genetics (formerly Invitae), Labcorp
Classification: Uncertain significance for Developmental and epileptic encephalopathy, 12. Last evaluated: 2022-06-22. Review status: criteria provided, single submitter. Criteria: Invitae Variant Classification Sherloc (09022015). Collection method: clinical testing. Allele origin: germline.
Comment: In summary, the available evidence is currently insufficient to determine the role of this variant in disease. Therefore, it has been classified as a Variant of Uncertain Significance. Algorithms developed to predict the effect of missense changes on protein structure and function (SIFT, PolyPhen-2, Align-GVGD) all suggest that this variant is likely to be tolerated. This variant has not been reported in the literature in individuals affected with PLCB1-related conditions. This variant is present in population databases (rs757137361, gnomAD 0.003%). This sequence change replaces glycine, which is neutral and non-polar, with glutamic acid, which is acidic and polar, at codon 503 of the PLCB1 protein (p.Gly503Glu).